The following is an entry in ClinVar:

NM_000520.6(HEXA):c.521dup (p.Leu174fs)

Gene: HEXA (hexosaminidase subunit alpha; minus strand). Cytogenetic location: 15q23.
Variant type: Duplication.
Coding change: c.521dup on transcript NM_000520.6 (MANE Select); coding-DNA position 521, one base duplicated (T; older notation c.521dupT).
Protein change: p.Leu174fs; shifts the reading frame from leucine 174.
Molecular consequence: frameshift variant. On other transcripts: non-coding transcript variant (1).
Genome position (GRCh38, 1-based): chr15:72,353,117, A duplicated on the plus strand (T on the coding strand, the reverse complement: HEXA is on the minus strand); the first of 2 consecutive A bases (chr15:72,353,117-72,353,118); duplicating either gives the same sequence. VCF-style (leftmost placement, unchanged base first): chr15-72353116-C-CA. GRCh37 (hg19) VCF-style: chr15-72645457-C-CA.
Other names: c.554dup, p.Leu185fs (NM_001318825.2); short protein forms L174fs, L185fs.
Identifiers: ClinVar variation 2705945 (VCV002705945.3), dbSNP rs2542532585, ClinGen allele CA2697549199.

ClinVar aggregate classification (germline): Pathogenic (1 of 4 stars; one submission).

Conditions:
Tay-Sachs disease (TSD). Also called: HEXA DEFICIENCY; GM2 gangliosidosis, type 1; Hexosaminidase alpha-subunit deficiency (variant B); Sphingolipidosis, Tay-Sachs; Hexosaminidase A Deficiency; HEXA Disorders. Identifiers: Orphanet 845, MedGen C0039373, MONDO:0010100, OMIM 272800.

Submission:

Labcorp Genetics (formerly Invitae), Labcorp
Classification: Pathogenic for Tay-Sachs disease. Last evaluated: 2023-12-27. Review status: criteria provided, single submitter. Criteria: Invitae Variant Classification Sherloc (09022015). Collection method: clinical testing. Allele origin: germline.
Comment: This sequence change creates a premature translational stop signal (p.Leu174Phefs*12) in the HEXA gene. It is expected to result in an absent or disrupted protein product. Loss-of-function variants in HEXA are known to be pathogenic (PMID: 1833974, 8490625). This variant is not present in population databases (gnomAD no frequency). This variant has not been reported in the literature in individuals affected with HEXA-related conditions. Algorithms developed to predict the effect of sequence changes on RNA splicing suggest that this variant may disrupt the consensus splice site. For these reasons, this variant has been classified as Pathogenic.

Literature cited by the submitters: PubMed 1833974; PubMed 8490625.